The following is an entry in ClinVar:

ClinVar aggregate classification (germline): Uncertain significance (1 of 4 stars; one submission).

Conditions:
C3 glomerulonephritis. Also called: C3 GLOMERULOPATHY 3; Nephropathy due to CFHR5 Deficiency. Identifiers: Orphanet 329931, MedGen C4055342, MONDO:0013892, OMIM 614809.

gnomAD v4.1: 6 of 1,613,502 alleles (0.00037%); highest among the groups gnomAD compares: East Asian, 0.0045%; no homozygotes.

Submission:

Genomenon, Inc
Classification: Uncertain significance for C3 glomerulonephritis. Last evaluated: 2025-09-30. Review status: criteria provided, single submitter. Criteria: Genomenon Sequence Variant Interpretation Standards. Collection method: curation. Allele origin: germline. Affected: yes.
Comment: C3 p.Pro174Leu (c.521C>T) is a missense variant that changes the amino acid at residue 174 from Proline to Leucine. This variant has been observed in at least one proband affected with C3 glomerulonephritis (PMID:29566171). It is absent or not present at a significant frequency in gnomAD. In silico models agree that this variant is not damaging. In conclusion, we classify C3 p.Pro174Leu (c.521C>T) as a variant of unknown significance.

Literature cited by the submitters: PubMed 29566171.

NM_000064.4(C3):c.521C>T (p.Pro174Leu)

Gene: C3 (complement C3; minus strand). Cytogenetic location: 19p13.3.
Variant type: single nucleotide variant.
Coding change: c.521C>T on transcript NM_000064.4 (MANE Select); coding-DNA position 521, C replaced by T.
Protein change: p.Pro174Leu; replaces proline 174 with leucine.
Molecular consequence: missense variant.
Genome position (GRCh38, 1-based): chr19:6,714,430, G>A on the plus strand (C>T on the coding strand, the complement: C3 is on the minus strand). VCF-style: chr19-6714430-G-A. GRCh37 (hg19) VCF-style: chr19-6714441-G-A.
Other names: short protein forms P174L.
Identifiers: ClinVar variation 4280268 (VCV004280268.1).